The following is an entry in ClinVar:

ClinVar aggregate classification (germline): Pathogenic (1 of 4 stars; one submission).

Submission:

Labcorp Genetics (formerly Invitae), Labcorp
Classification: Pathogenic. Last evaluated: 2023-03-16. Review status: criteria provided, single submitter. Criteria: Invitae Variant Classification Sherloc (09022015). Collection method: clinical testing. Allele origin: germline.
Comment: This sequence change creates a premature translational stop signal (p.Arg2107Thrfs*13) in the ABCA4 gene. It is expected to result in an absent or disrupted protein product. Loss-of-function variants in ABCA4 are known to be pathogenic (PMID: 10958761, 24938718, 25312043, 26780318). For these reasons, this variant has been classified as Pathogenic. This variant has not been reported in the literature in individuals affected with ABCA4-related conditions. This variant is not present in population databases (gnomAD no frequency).

Literature cited by the submitters: PubMed 10958761; PubMed 24938718; PubMed 25312043; PubMed 26780318.

NM_000350.3(ABCA4):c.6304_6317dup (p.Arg2107fs)

Gene: ABCA4 (ATP binding cassette subfamily A member 4; minus strand). Cytogenetic location: 1p22.1.
Variant type: Duplication.
Coding change: c.6304_6317dup on transcript NM_000350.3 (MANE Select); coding-DNA positions 6304 to 6317, 14 bases duplicated (GACCCCCAGGCACG).
Protein change: p.Arg2107fs; shifts the reading frame from arginine 2107.
Molecular consequence: frameshift variant.
Genome position (GRCh38, 1-based): chr1:94,001,071-94,001,084, CGTGCCTGGGGGTC duplicated on the plus strand (GACCCCCAGGCACG on the coding strand, the reverse complement: ABCA4 is on the minus strand); duplicating any 14 consecutive bases within chr1:94,001,071-94,001,085 gives the same sequence; the c. name uses the placement nearest the transcript's 3' end. VCF-style (leftmost placement, unchanged base first): chr1-94001070-G-GCGTGCCTGGGGGTC. GRCh37 (hg19) VCF-style: chr1-94466626-G-GCGTGCCTGGGGGTC.
Other names: c.6081_6094dup, p.Arg2033Thrfs (NM_001425324.1); short protein forms R2107fs.
Identifiers: ClinVar variation 2813587 (VCV002813587.3), dbSNP rs2523624881, ClinGen allele CA2739272659.
Genomic context (GRCh38, chr1:94,001,070, plus strand): 5'-TGTGAGGACCACAGCCCTCCCTTCTCTGATGATGCTCACGATGACGTTCCACAGCATGCG[G>GCGTGCCTGGGGGTC]CGTGCCTGGGGGTCCATCCCTGTGGTGGGCTCATCCTGGGGGGTGGAGAGAAGGTTGGGG-3'